The following is an entry in ClinVar:

NM_005359.6(SMAD4):c.565C>G (p.Arg189Gly)

Gene: SMAD4 (SMAD family member 4; plus strand). Cytogenetic location: 18q21.2.
Variant type: single nucleotide variant.
Coding change: c.565C>G on transcript NM_005359.6 (MANE Select); coding-DNA position 565, C replaced by G.
Protein change: p.Arg189Gly; replaces arginine 189 with glycine.
Molecular consequence: missense variant.
Genome position (GRCh38, 1-based): chr18:51,054,891, C>G. VCF-style: chr18-51054891-C-G. GRCh37 (hg19) VCF-style: chr18-48581261-C-G.
Other names: short protein forms R189G.
Identifiers: ClinVar variation 230721 (VCV000230721.13), dbSNP rs140743238, ClinGen allele CA10580978.
Genomic context (GRCh38, chr18:51,054,891, plus strand): 5'-CAGCCATCGTTGTCCACTGAAGGACATTCAATTCAAACCATCCAGCATCCACCAAGTAAT[C>G]GTGCATCGACAGAGACATACAGCACCCCAGCTCTGTTAGCCCCATCTGAGTCTAATGCTA-3'
Protein context (NP_005350.1, residues 179-199): IQTIQHPPSN[Arg189Gly]ASTETYSTPA

ClinVar aggregate classification (germline): Uncertain significance. Review status: criteria provided, multiple submitters, no conflicts (2 of 4 stars). 2 submissions from 2 submitters: Uncertain significance (2). Last evaluated 2024-10-22.

Conditions:
Familial thoracic aortic aneurysm and aortic dissection (TAAD). Also called: Thoracic aortic aneurysms and dissections. Identifiers: Orphanet 91387, MedGen C4707243, MONDO:0019625.
Hereditary cancer-predisposing syndrome. Also called: Hereditary Cancer Syndrome; Neoplastic Syndromes, Hereditary; Tumor predisposition; Hereditary neoplastic syndrome. Identifiers: Orphanet 140162, MedGen C0027672, MeSH D009386, MONDO:0015356.
Juvenile polyposis syndrome (JPS). Identifiers: Orphanet 2929, MedGen C0345893, MONDO:0017380, OMIM 174900.

gnomAD v4.1: 1 of 1,614,040 alleles (0.000062%); highest among the groups gnomAD compares: Admixed American, 0.0017%; no homozygotes.

Submissions (2):

Labcorp Genetics (formerly Invitae), Labcorp
Classification: Uncertain significance for Juvenile polyposis syndrome. Last evaluated: 2024-10-22. Review status: criteria provided, single submitter. Criteria: Invitae Variant Classification Sherloc (09022015). Collection method: clinical testing. Allele origin: germline.
Comment: This sequence change replaces arginine, which is basic and polar, with glycine, which is neutral and non-polar, at codon 189 of the SMAD4 protein (p.Arg189Gly). This variant is present in population databases (no rsID available, gnomAD 0.003%). This variant has not been reported in the literature in individuals affected with SMAD4-related conditions. ClinVar contains an entry for this variant (Variation ID: 230721). Invitae Evidence Modeling of protein sequence and biophysical properties (such as structural, functional, and spatial information, amino acid conservation, physicochemical variation, residue mobility, and thermodynamic stability) indicates that this missense variant is not expected to disrupt SMAD4 protein function with a negative predictive value of 95%. In summary, the available evidence is currently insufficient to determine the role of this variant in disease. Therefore, it has been classified as a Variant of Uncertain Significance.

Ambry Genetics
Classification: Uncertain significance for Hereditary cancer-predisposing syndrome; Familial thoracic aortic aneurysm and aortic dissection. Last evaluated: 2015-03-07. Review status: criteria provided, single submitter. Criteria: Ambry Variant Classification Scheme 2023. Collection method: clinical testing. Allele origin: germline.
Comment: The p.R189G variant (also known as c.565C>G), located in coding exon 4 of the SMAD4 gene, results from a C to G substitution at nucleotide position 565. The arginine at codon 189 is replaced by glycine, an amino acid with dissimilar properties. This variant was not reported in population based cohorts in the following databases: Database of Single Nucleotide Polymorphisms (dbSNP), NHLBI Exome Sequencing Project (ESP), and 1000 Genomes Project. In the ESP, this variant was not observed in 6503 samples (13006 alleles) with coverage at this position. To date, this alteration has been detected with an allele frequency of approximately 0.01% (greater than 30000 alleles tested) in our clinical cohort. This amino acid position is well conserved through mammals. In addition, the in silico prediction for this alteration is inconclusive. Since supporting evidence is limited at this time, the clinical significance of p.R189G remains unclear.